The following is an entry in ClinVar:

NM_001286577.2(C2CD3):c.2363A>G (p.His788Arg)

Gene: C2CD3 (C2 domain containing 3 centriole elongation regulator; minus strand). Cytogenetic location: 11q13.4.
Variant type: single nucleotide variant.
Coding change: c.2363A>G on transcript NM_001286577.2 (MANE Select); coding-DNA position 2363, A replaced by G.
Protein change: p.His788Arg; replaces histidine 788 with arginine.
Molecular consequence: missense variant.
Genome position (GRCh38, 1-based): chr11:74,103,348, T>C on the plus strand (A>G on the coding strand, the complement: C2CD3 is on the minus strand). VCF-style: chr11-74103348-T-C. GRCh37 (hg19) VCF-style: chr11-73814393-T-C.
Other names: c.2363A>G, p.His788Arg (NM_015531.6); c.2363A>G (NM_015531.4); short protein forms H788R.
Identifiers: ClinVar variation 1896511 (VCV001896511.3), dbSNP rs372902550, ClinGen allele CA6182652.

ClinVar aggregate classification (germline): Uncertain significance. Review status: criteria provided, multiple submitters, no conflicts (2 of 4 stars). 2 submissions from 2 submitters: Uncertain significance (2). Last evaluated 2025-06-07.

Conditions:
Inborn genetic diseases. Identifiers: MedGen C0950123, MeSH D030342.

Allele frequency attached by ClinVar (database versions not stated): gnomAD 0.00001; TOPMed 0.00003; ESP Exome Variant Server 0.00008; ExAC 0.00002; gnomAD exomes 0.00005.
gnomAD v4.1: 70 of 1,614,100 alleles (0.0043%); highest among the groups gnomAD compares: Non-Finnish European, 0.0055%; no homozygotes.

Submissions (2):

Ambry Genetics
Classification: Uncertain significance for Inborn genetic diseases. Last evaluated: 2025-06-07. Review status: criteria provided, single submitter. Criteria: Ambry Variant Classification Scheme 2023. Collection method: clinical testing. Allele origin: germline.

Labcorp Genetics (formerly Invitae), Labcorp
Classification: Uncertain significance. Last evaluated: 2022-05-11. Review status: criteria provided, single submitter. Criteria: Invitae Variant Classification Sherloc (09022015). Collection method: clinical testing. Allele origin: germline.
Comment: This sequence change replaces histidine, which is basic and polar, with arginine, which is basic and polar, at codon 788 of the C2CD3 protein (p.His788Arg). This variant is present in population databases (rs372902550, gnomAD 0.02%). This variant has not been reported in the literature in individuals affected with C2CD3-related conditions. Algorithms developed to predict the effect of missense changes on protein structure and function (SIFT, PolyPhen-2, Align-GVGD) all suggest that this variant is likely to be tolerated. In summary, the available evidence is currently insufficient to determine the role of this variant in disease. Therefore, it has been classified as a Variant of Uncertain Significance.